The following is an entry in ClinVar:

NM_212482.4(FN1):c.7095G>A (p.Met2365Ile)

Genes: ATIC (5-aminoimidazole-4-carboxamide ribonucleotide formyltransferase/IMP cyclohydrolase; plus strand), FN1 (fibronectin 1; minus strand). Cytogenetic location: 2q35.
Variant type: single nucleotide variant.
Coding change: c.7095G>A on transcript NM_212482.4 (MANE Select); coding-DNA position 7095, G replaced by A.
Protein change: p.Met2365Ile; replaces methionine 2365 with isoleucine.
Molecular consequence: missense variant.
Genome position (GRCh38, 1-based): chr2:215,365,554, C>T on the plus strand (G>A on the coding strand, the complement: FN1 is on the minus strand). VCF-style: chr2-215365554-C-T. GRCh37 (hg19) VCF-style: chr2-216230277-C-T.
Other names: c.7002G>A, p.Met2334Ile (NM_001306129.2); c.6465G>A, p.Met2155Ile (NM_001306130.2); c.6459G>A, p.Met2153Ile (NM_001306131.2); c.6384G>A, p.Met2128Ile (NM_001306132.2); c.6825G>A, p.Met2275Ile (NM_001365517.2); c.6822G>A, p.Met2274Ile (NM_001365518.2); c.6750G>A, p.Met2250Ile (NM_001365519.2); c.6747G>A, p.Met2249Ile (NM_001365520.2); and 8 more; short protein forms M2064I, M2128I, M2153I, M2154I, M2155I, M2159I, M2184I, M2218I.
Identifiers: ClinVar variation 3381362 (VCV003381362.2).

ClinVar aggregate classification (germline): Uncertain significance. Review status: criteria provided, multiple submitters, no conflicts (2 of 4 stars). 2 submissions from 2 submitters: Uncertain significance (2). Last evaluated 2024-08-07.

gnomAD v4.1: 8 of 1,613,974 alleles (0.0005%); highest among the groups gnomAD compares: South Asian, 0.0011%; no homozygotes.

Submissions (2):

Blueprint Genetics
Classification: Uncertain significance. Last evaluated: 2024-08-07. Review status: criteria provided, single submitter. Criteria: ACMG Guidelines, 2015. Collection method: clinical testing. Allele origin: germline.

GeneDx
Classification: Uncertain significance. Last evaluated: 2024-05-24. Review status: criteria provided, single submitter. Criteria: GeneDx Variant Classification Process June 2021. Collection method: clinical testing. Allele origin: germline. Affected: yes.
Comment: Not observed at significant frequency in large population cohorts (gnomAD); In silico analysis indicates that this missense variant does not alter protein structure/function; Has not been previously published as pathogenic or benign to our knowledge